The following is an entry in ClinVar:

ClinVar aggregate classification (germline): Uncertain significance (1 of 4 stars; one submission).

Conditions:
Long QT syndrome (LQTS). Identifiers: MedGen C0023976, MeSH D008133, MONDO:0002442. Disease mechanism: loss of function. Inheritance: Various modes of inheritance.

gnomAD v4.1: 1 of 1,613,918 alleles (0.000062%); highest among the groups gnomAD compares: Non-Finnish European, 0.000085%; no homozygotes.

Submission:

Labcorp Genetics (formerly Invitae), Labcorp
Classification: Uncertain significance for Long QT syndrome. Last evaluated: 2023-01-02. Review status: criteria provided, single submitter. Criteria: Invitae Variant Classification Sherloc (09022015). Collection method: clinical testing. Allele origin: germline.
Comment: In summary, the available evidence is currently insufficient to determine the role of this variant in disease. Therefore, it has been classified as a Variant of Uncertain Significance. Algorithms developed to predict the effect of missense changes on protein structure and function are either unavailable or do not agree on the potential impact of this missense change (SIFT: "Deleterious"; PolyPhen-2: "Probably Damaging"; Align-GVGD: "Class C0"). This variant has not been reported in the literature in individuals affected with AKAP9-related conditions. This variant is not present in population databases (gnomAD no frequency). This sequence change replaces arginine, which is basic and polar, with serine, which is neutral and polar, at codon 182 of the AKAP9 protein (p.Arg182Ser).

NM_005751.5(AKAP9):c.546G>C (p.Arg182Ser)

Gene: AKAP9 (A-kinase anchoring protein 9; plus strand). Cytogenetic location: 7q21.2.
Variant type: single nucleotide variant.
Coding change: c.546G>C on transcript NM_005751.5 (MANE Select); coding-DNA position 546, G replaced by C.
Protein change: p.Arg182Ser; replaces arginine 182 with serine.
Molecular consequence: missense variant.
Genome position (GRCh38, 1-based): chr7:91,993,025, G>C. VCF-style: chr7-91993025-G-C. GRCh37 (hg19) VCF-style: chr7-91622339-G-C.
Other names: c.546G>C, p.Arg182Ser (NM_147185.3); short protein forms R182S.
Identifiers: ClinVar variation 2872854 (VCV002872854.3), dbSNP rs779393285, ClinGen allele CA368119645.